The following is an entry in ClinVar:

ClinVar aggregate classification (germline): Likely benign (1 of 4 stars; one submission).

Conditions:
Leigh syndrome (NULS). Also called: Leigh's necrotizing encephalopathy; Leigh's disease; Leigh's syndrome; LEIGH SYNDROME, NUCLEAR; Leigh Syndrome (mtDNA deletion); Leigh Disease. Identifiers: Orphanet 506, MedGen C2931891, MONDO:0009723, OMIM 256000.

Submission:

Wong Mito Lab, Molecular and Human Genetics, Baylor College of Medicine
Classification: Likely benign for Leigh syndrome. Last evaluated: 2019-10-17. Review status: criteria provided, single submitter. Criteria: Modified ACMG Guidelines (Unpublished). Collection method: clinical testing. Allele origin: germline.
Comment: The NC_012920.1:m.14280A>C (YP_003024037.1:p.Ser132Ala) variant in MTND6 gene is interpretated to be a Likely Benign variant based on the modified ACMG guidelines (unpublished). This variant meets the following evidence codes: BS4, BP4

NC_012920.1(MT-ND6):m.14280A>C

Gene: MT-ND6 (mitochondrially encoded NADH dehydrogenase 6; minus strand).
Variant type: single nucleotide variant.
Genome position: chrM-14280-A-C.
Identifiers: ClinVar variation 693703 (VCV000693703.1), dbSNP rs1603224649, ClinGen allele CA414821731.